The following is an entry in ClinVar:

ClinVar aggregate classification (germline): Uncertain significance (1 of 4 stars; one submission).

Conditions:
Familial thoracic aortic aneurysm and aortic dissection (TAAD). Also called: Thoracic aortic aneurysms and dissections. Identifiers: Orphanet 91387, MedGen C4707243, MONDO:0019625.
Marfan syndrome (MFS). Also called: FBN1-Related Marfan Syndrome; Marfan syndrome type 1; Marfan's syndrome; Marfan syndrome, classic; MARFAN SYNDROME, TYPE I. Identifiers: Orphanet 284963, Orphanet 558, MedGen C0024796, MONDO:0007947, OMIM 154700.

Submission:

Labcorp Genetics (formerly Invitae), Labcorp
Classification: Uncertain significance for Marfan syndrome; Familial thoracic aortic aneurysm and aortic dissection. Last evaluated: 2018-03-14. Review status: criteria provided, single submitter. Criteria: Invitae Variant Classification Sherloc (09022015). Collection method: clinical testing. Allele origin: germline.
Comment: This sequence change replaces lysine with glutamic acid at codon 2388 of the FBN1 protein (p.Lys2388Glu). The lysine residue is highly conserved and there is a small physicochemical difference between lysine and glutamic acid. In summary, the available evidence is currently insufficient to determine the role of this variant in disease. Therefore, it has been classified as a Variant of Uncertain Significance. Algorithms developed to predict the effect of missense changes on protein structure and function do not agree on the potential impact of this missense change (SIFT: "Deleterious"; PolyPhen-2: "Probably Damaging"; Align-GVGD: "Class C0"). This variant has not been reported in the literature in individuals with FBN1-related disease. This variant is not present in population databases (ExAC no frequency).

NM_000138.5(FBN1):c.7162A>G (p.Lys2388Glu)

Gene: FBN1 (fibrillin 1; minus strand). Cytogenetic location: 15q21.1.
Variant type: single nucleotide variant.
Coding change: c.7162A>G on transcript NM_000138.5 (MANE Select); coding-DNA position 7162, A replaced by G.
Protein change: p.Lys2388Glu; replaces lysine 2388 with glutamic acid.
Molecular consequence: missense variant.
Genome position (GRCh38, 1-based): chr15:48,427,609, T>C on the plus strand (A>G on the coding strand, the complement: FBN1 is on the minus strand). VCF-style: chr15-48427609-T-C. GRCh37 (hg19) VCF-style: chr15-48719806-T-C.
Other names: short protein forms K2388E.
Identifiers: ClinVar variation 568619 (VCV000568619.8), dbSNP rs1566893398, ClinGen allele CA392329331.
Genomic context (GRCh38, chr15:48,427,609, plus strand): 5'-GGACTATAAATGAAGTACCTGCTCCATTGGTCATGAATCCTCGGCCATGGGGACAGAGTT[T>C]CTTGAAAGCCACAGTCCCCTGGAAAGGGCAGATCTCACAGTGGGGACCCCAGCCTCTCCC-3'
Protein context (NP_000129.3, residues 2378-2398): CPFQGTVAFK[Lys2388Glu]LCPHGRGFMT